The following is an entry in ClinVar:

NM_024426.6(WT1):c.598A>T (p.Met200Leu)

Genes: WT1 (WT1 transcription factor; minus strand), LOC107982234 (WT1/WT1-AS bi-directional promoter region; plus strand). Cytogenetic location: 11p13.
Variant type: single nucleotide variant.
Coding change: c.598A>T on transcript NM_024426.6 (MANE Select); coding-DNA position 598, A replaced by T.
Protein change: p.Met200Leu; replaces methionine 200 with leucine.
Molecular consequence: missense variant. On other transcripts: non-coding transcript variant (1).
Genome position (GRCh38, 1-based): chr11:32,434,763, T>A on the plus strand (A>T on the coding strand, the complement: WT1 is on the minus strand). VCF-style: chr11-32434763-T-A. GRCh37 (hg19) VCF-style: chr11-32456309-T-A.
Other names: c.598A>T, p.Met200Leu (NM_000378.6, NM_024424.5); short protein forms M200L.
Identifiers: ClinVar variation 939853 (VCV000939853.10), dbSNP rs1853435610, ClinGen allele CA379964564.

ClinVar aggregate classification (germline): Uncertain significance (1 of 4 stars; one submission).

Conditions:
Drash syndrome (DDS). Also called: WILMS TUMOR AND PSEUDO- OR TRUE HERMAPHRODITISM; NEPHROPATHY, WILMS TUMOR, AND GENITAL ANOMALIES. Identifiers: Orphanet 220, MedGen C0950121, MONDO:0008682, OMIM 194080.
Frasier syndrome. Identifiers: Orphanet 347, MedGen C0950122, MeSH D052159, MONDO:0007635, OMIM 136680.
Wilms tumor 1 (WT1). Also called: Wilms tumor, somatic. Identifiers: Orphanet 654, MedGen CN033288, MONDO:0008679, OMIM 194070.
11p partial monosomy syndrome (WAGR). Also called: WAGR syndrome; CHROMOSOME 11p13 DELETION SYNDROME; WAGR Complex; WAGR Spectrum Disorder. Identifiers: Orphanet 893, MedGen C0206115, MONDO:0008681, OMIM 194072.

Allele frequency attached by ClinVar (database versions not stated): gnomAD exomes below 0.00001.
gnomAD v4.1: 1 of 1,612,860 alleles (0.000062%); highest among the groups gnomAD compares: African/African-American, 0.0013%; no homozygotes.

Submission:

Labcorp Genetics (formerly Invitae), Labcorp
Classification: Uncertain significance for Wilms tumor 1; Drash syndrome; 11p partial monosomy syndrome; Frasier syndrome. Last evaluated: 2019-05-27. Review status: criteria provided, single submitter. Criteria: Invitae Variant Classification Sherloc (09022015). Collection method: clinical testing. Allele origin: germline.
Comment: Algorithms developed to predict the effect of missense changes on protein structure and function are either unavailable or do not agree on the potential impact of this missense change (SIFT: "Deleterious"; PolyPhen-2: "Benign"; Align-GVGD: "Class C0"). This sequence change replaces methionine with leucine at codon 195 of the WT1 protein (p.Met195Leu). The methionine residue is highly conserved and there is a small physicochemical difference between methionine and leucine. This variant is not present in population databases (ExAC no frequency). This variant has not been reported in the literature in individuals with WT1-related conditions. In summary, the available evidence is currently insufficient to determine the role of this variant in disease. Therefore, it has been classified as a Variant of Uncertain Significance. Algorithms developed to predict the effect of sequence changes on RNA splicing suggest that this variant may create or strengthen a splice site, but this prediction has not been confirmed by published transcriptional studies.